The following is an entry in ClinVar:

NM_001199753.2(CPT1C):c.1891C>T (p.Arg631Cys)

Gene: CPT1C (carnitine palmitoyltransferase 1C; plus strand). Cytogenetic location: 19q13.33.
Variant type: single nucleotide variant.
Coding change: c.1891C>T on transcript NM_001199753.2 (MANE Select); coding-DNA position 1891, C replaced by T.
Protein change: p.Arg631Cys; replaces arginine 631 with cysteine.
Molecular consequence: missense variant. On other transcripts: non-coding transcript variant (1).
Genome position (GRCh38, 1-based): chr19:49,711,833, C>T. VCF-style: chr19-49711833-C-T. GRCh37 (hg19) VCF-style: chr19-50215090-C-T.
Other names: c.1858C>T, p.Arg620Cys (NM_001136052.3, NM_001378485.1); c.1891C>T, p.Arg631Cys (NM_001199752.3, NM_001378483.1, NM_001378484.1 and 1 more transcripts); c.1957C>T, p.Arg653Cys (NM_001378482.1); c.1756C>T, p.Arg586Cys (NM_001378486.1, NM_001378488.1); c.1723C>T, p.Arg575Cys (NM_001378487.1); short protein forms R575C, R586C, R631C, R653C, R620C.
Identifiers: ClinVar variation 1366619 (VCV001366619.6), dbSNP rs539827461, ClinGen allele CA9582357.

ClinVar aggregate classification (germline): Uncertain significance (1 of 4 stars; one submission).

Conditions:
Hereditary spastic paraplegia 73. Also called: Spastic paraplegia 73, autosomal dominant. Identifiers: Orphanet 444099, MedGen C5568981, MONDO:0014568, OMIM 616282.

Allele frequency attached by ClinVar (database versions not stated): gnomAD exomes 0.00003 and 0.00004; TOPMed 0.00003; ExAC 0.00004; gnomAD 0.00004; 1000 Genomes Project 30x 0.00016; 1000 Genomes Project 0.00020.
gnomAD v4.1: 47 of 1,613,420 alleles (0.0029%); highest among the groups gnomAD compares: Non-Finnish European, 0.0034%; no homozygotes.

Submission:

Labcorp Genetics (formerly Invitae), Labcorp
Classification: Uncertain significance for Hereditary spastic paraplegia 73. Last evaluated: 2023-04-24. Review status: criteria provided, single submitter. Criteria: Invitae Variant Classification Sherloc (09022015). Collection method: clinical testing. Allele origin: germline.
Comment: In summary, the available evidence is currently insufficient to determine the role of this variant in disease. Therefore, it has been classified as a Variant of Uncertain Significance. Advanced modeling of protein sequence and biophysical properties (such as structural, functional, and spatial information, amino acid conservation, physicochemical variation, residue mobility, and thermodynamic stability) performed at Invitae indicates that this missense variant is not expected to disrupt CPT1C protein function. ClinVar contains an entry for this variant (Variation ID: 1366619). This variant has not been reported in the literature in individuals affected with CPT1C-related conditions. This variant is present in population databases (rs539827461, gnomAD 0.01%). This sequence change replaces arginine, which is basic and polar, with cysteine, which is neutral and slightly polar, at codon 620 of the CPT1C protein (p.Arg620Cys).